The following is an entry in ClinVar:

NM_013296.5(GPSM2):c.1909C>T (p.Arg637Trp)

Genes: CLCC1 (chloride channel CLIC like 1; minus strand), GPSM2 (G protein signaling modulator 2; plus strand). Cytogenetic location: 1p13.3.
Variant type: single nucleotide variant.
Coding change: c.1909C>T on transcript NM_013296.5 (MANE Select); coding-DNA position 1909, C replaced by T.
Protein change: p.Arg637Trp; replaces arginine 637 with tryptophan.
Molecular consequence: missense variant. On other transcripts: 3 prime UTR variant (17), non-coding transcript variant (1).
Genome position (GRCh38, 1-based): chr1:108,929,794, C>T. VCF-style: chr1-108929794-C-T. GRCh37 (hg19) VCF-style: chr1-109472416-C-T.
Other names: c.*2753G>A (NM_001048210.3, NM_001278202.2, NM_001278203.1 and 10 more transcripts); c.*2758G>A (NM_001377459.1, NM_001377460.1, NM_001377462.1 and 1 more transcripts); c.1909C>T, p.Arg637Trp (NM_001321038.2, NM_001321039.3); short protein forms R637W.
Identifiers: ClinVar variation 211100 (VCV000211100.19), dbSNP rs189033496, ClinGen allele CA206366.

ClinVar aggregate classification (germline): Conflicting classifications of pathogenicity. Review status: criteria provided, conflicting classifications (1 of 4 stars). 6 submissions from 6 submitters: Uncertain significance (4); Likely benign (1). 1 of the submissions does not count toward it. Last evaluated 2025-07-25.

Conditions:
GPSM2-related disorder. Also called: GPSM2-related disorders; GPSM2-related condition.
Chudley-McCullough syndrome (CMCS). Also called: DEAFNESS, SENSORINEURAL, WITH PARTIAL AGENESIS OF THE CORPUS CALLOSUM AND ARACHNOID CYSTS; Deafness, autosomal recessive 82. Identifiers: Orphanet 314597, MedGen C1858695, MONDO:0011411, OMIM 604213.

Allele frequency attached by ClinVar (database versions not stated): gnomAD 0.00006 and 0.00010; gnomAD exomes 0.00006 and 0.00017; TOPMed 0.00011; ExAC 0.00014; 1000 Genomes Project 30x 0.00047; 1000 Genomes Project 0.00060.
gnomAD v4.1: 106 of 1,613,796 alleles (0.0066%); highest among the groups gnomAD compares: East Asian, 0.2%; no homozygotes.

Submissions (6):

Labcorp Genetics (formerly Invitae), Labcorp
Classification: Likely benign. Last evaluated: 2025-07-25. Review status: criteria provided, single submitter. Criteria: Invitae Variant Classification Sherloc (09022015). Collection method: clinical testing. Allele origin: germline.

GeneDx
Classification: Uncertain significance. Last evaluated: 2025-06-06. Review status: criteria provided, single submitter. Criteria: GeneDx Variant Classification Process June 2021. Collection method: clinical testing. Allele origin: germline. Affected: yes.
Comment: Identified in patients with pituitary stalk interruption syndrome who also harbored additional potentially pathogenic variants in other genes in published literature (PMID: 32864857); In silico analysis supports that this missense variant has a deleterious effect on protein structure/function; This variant is associated with the following publications: (PMID: 32864857)

Fulgent Genetics
Classification: Uncertain significance for Chudley-McCullough syndrome. Last evaluated: 2018-10-31. Review status: criteria provided, single submitter. Criteria: ACMG Guidelines, 2015. Collection method: clinical testing. Allele origin: unknown.

Illumina Laboratory Services, Illumina
Classification: Uncertain significance for Chudley-McCullough syndrome. Last evaluated: 2017-04-27. Review status: criteria provided, single submitter. Criteria: ICSL Variant Classification Criteria 13 December 2019. Collection method: clinical testing. Allele origin: germline.

Genetic Services Laboratory, University of Chicago
Classification: Uncertain significance. Last evaluated: 2015-06-30. Review status: criteria provided, single submitter. Criteria: ACMG Guidelines, 2015. Collection method: clinical testing. Allele origin: germline.

PreventionGenetics, part of Exact Sciences
Classification: Likely benign for GPSM2-related condition. Last evaluated: 2022-07-15. Review status: no assertion criteria provided. Collection method: clinical testing. Allele origin: germline. Not counted in ClinVar's aggregate classification.
Comment: This variant is classified as likely benign based on ACMG/AMP sequence variant interpretation guidelines (Richards et al. 2015 PMID: 25741868, with internal and published modifications).